The following is an entry in ClinVar:

ClinVar aggregate classification (germline): Conflicting classifications of pathogenicity. Review status: criteria provided, conflicting classifications (1 of 4 stars). 3 submissions from 3 submitters: Uncertain significance (2); Likely benign (1). Last evaluated 2024-09-09.

Conditions:
Familial acute necrotizing encephalopathy (IIAE3). Also called: Susceptibility to Acute Necrotizing Encephalopathy 1; ENCEPHALOPATHY, ACUTE, INFECTION-INDUCED, SUSCEPTIBILITY TO, 3. Identifiers: Orphanet 88619, MedGen C2675556, MONDO:0011953, OMIM 608033.

Allele frequency attached by ClinVar (database versions not stated): gnomAD exomes 0.00003; gnomAD 0.00005; TOPMed 0.00008.
gnomAD v4.1: 42 of 1,597,432 alleles (0.0026%); highest among the groups gnomAD compares: Middle Eastern, 0.022%; no homozygotes.

Submissions (3):

Blueprint Genetics
Classification: Likely benign. Last evaluated: 2024-09-09. Review status: criteria provided, single submitter. Criteria: ACMG Guidelines, 2015. Collection method: clinical testing. Allele origin: germline.

Labcorp Genetics (formerly Invitae), Labcorp
Classification: Uncertain significance for Familial acute necrotizing encephalopathy. Last evaluated: 2022-03-03. Review status: criteria provided, single submitter. Criteria: Invitae Variant Classification Sherloc (09022015). Collection method: clinical testing. Allele origin: germline.
Comment: This sequence change replaces valine, which is neutral and non-polar, with leucine, which is neutral and non-polar, at codon 174 of the RANBP2 protein (p.Val174Leu). This variant is present in population databases (no rsID available, gnomAD 0.008%). This variant has not been reported in the literature in individuals affected with RANBP2-related conditions. ClinVar contains an entry for this variant (Variation ID: 658560). Algorithms developed to predict the effect of missense changes on protein structure and function output the following: SIFT: "Tolerated"; PolyPhen-2: "Benign"; Align-GVGD: "Class C0". The leucine amino acid residue is found in multiple mammalian species, which suggests that this missense change does not adversely affect protein function. In summary, the available evidence is currently insufficient to determine the role of this variant in disease. Therefore, it has been classified as a Variant of Uncertain Significance.

Breakthrough Genomics
Classification: Uncertain significance. Review status: criteria provided, single submitter. Criteria: ACMG Guidelines, 2015. Collection method: not provided. Allele origin: germline. Inheritance: Autosomal dominant inheritance. Affected: yes.

NM_006267.5(RANBP2):c.520G>T (p.Val174Leu)

Gene: RANBP2 (RAN binding protein 2; plus strand). Cytogenetic location: 2q13.
Variant type: single nucleotide variant.
Coding change: c.520G>T on transcript NM_006267.5 (MANE Select); coding-DNA position 520, G replaced by T.
Protein change: p.Val174Leu; replaces valine 174 with leucine.
Molecular consequence: missense variant.
Genome position (GRCh38, 1-based): chr2:108,735,646, G>T. VCF-style: chr2-108735646-G-T. GRCh37 (hg19) VCF-style: chr2-109352102-G-T.
Other names: short protein forms V174L.
Identifiers: ClinVar variation 658560 (VCV000658560.10), dbSNP rs1045111673, ClinGen allele CA53430224.